The following is an entry in ClinVar:

NM_001009944.3(PKD1):c.11399C>T (p.Pro3800Leu)

Genes: PKD1 (polycystin 1, transient receptor potential channel interacting; minus strand), PKD1-AS1 (PKD1 antisense RNA 1; plus strand). Cytogenetic location: 16p13.3.
Variant type: single nucleotide variant.
Coding change: c.11399C>T on transcript NM_001009944.3 (MANE Select); coding-DNA position 11399, C replaced by T.
Protein change: p.Pro3800Leu; replaces proline 3800 with leucine.
Molecular consequence: missense variant.
Genome position (GRCh38, 1-based): chr16:2,092,059, G>A on the plus strand (C>T on the coding strand, the complement: PKD1 is on the minus strand). VCF-style: chr16-2092059-G-A. GRCh37 (hg19) VCF-style: chr16-2142060-G-A.
Other names: c.11396C>T, p.Pro3799Leu (NM_000296.4); short protein forms P3799L, P3800L.
Identifiers: ClinVar variation 1722793 (VCV001722793.4), dbSNP rs2091613857, ClinGen allele CA394333799.

ClinVar aggregate classification (germline): Conflicting classifications of pathogenicity. Review status: criteria provided, conflicting classifications (1 of 4 stars). 2 submissions from 2 submitters: Likely pathogenic (1); Uncertain significance (1). Last evaluated 2024-02-21.

Conditions:
PKD1-related disorder. Also called: PKD1-related condition.

Allele frequency attached by ClinVar (database versions not stated): gnomAD exomes below 0.00001; gnomAD 0.00001.
gnomAD v4.1: 5 of 1,612,658 alleles (0.00031%); highest among the groups gnomAD compares: African/African-American, 0.0027%; no homozygotes.

Submissions (2):

GeneDx
Classification: Uncertain significance. Last evaluated: 2024-02-21. Review status: criteria provided, single submitter. Criteria: GeneDx Variant Classification Process June 2021. Collection method: clinical testing. Allele origin: germline. Affected: yes.
Comment: Not observed at significant frequency in large population cohorts (gnomAD); In silico analysis supports that this missense variant has a deleterious effect on protein structure/function; Reported in a patient with autosomal dominant polycystic kidney disease; however, familial segregation information and additional clinical information were not provided (PMID: 35778421); This variant is associated with the following publications: (PMID: 35778421)

Blueprint Genetics
Classification: Likely pathogenic for PKD1-related disorders. Last evaluated: 2020-09-04. Review status: criteria provided, single submitter. Criteria: ACMG Guidelines, 2015. Collection method: clinical testing. Allele origin: germline. Affected: yes. Observed: 1 variant allele.